The following is an entry in ClinVar:

NM_003562.5(SLC25A11):c.20C>T (p.Ala7Val)

Genes: SLC25A11 (solute carrier family 25 member 11; minus strand), LOC130060045 (ATAC-STARR-seq lymphoblastoid silent region 8051; plus strand). Cytogenetic location: 17p13.2.
Variant type: single nucleotide variant.
Coding change: c.20C>T on transcript NM_003562.5 (MANE Select); coding-DNA position 20, C replaced by T.
Protein change: p.Ala7Val; replaces alanine 7 with valine.
Molecular consequence: missense variant.
Genome position (GRCh38, 1-based): chr17:4,939,891, G>A on the plus strand (C>T on the coding strand, the complement: SLC25A11 is on the minus strand). VCF-style: chr17-4939891-G-A. GRCh37 (hg19) VCF-style: chr17-4843186-G-A.
Other names: c.20C>T, p.Ala7Val (NM_001165417.2, NM_001165418.2); short protein forms A7V.
Identifiers: ClinVar variation 2705639 (VCV002705639.3), dbSNP rs1276658607, ClinGen allele CA397331238.

ClinVar aggregate classification (germline): Uncertain significance (1 of 4 stars; one submission).

Allele frequency attached by ClinVar (database versions not stated): gnomAD 0.00001; TOPMed 0.00001.

Submission:

Labcorp Genetics (formerly Invitae), Labcorp
Classification: Uncertain significance. Last evaluated: 2023-12-26. Review status: criteria provided, single submitter. Criteria: Invitae Variant Classification Sherloc (09022015). Collection method: clinical testing. Allele origin: germline.
Comment: This sequence change replaces alanine, which is neutral and non-polar, with valine, which is neutral and non-polar, at codon 7 of the SLC25A11 protein (p.Ala7Val). This variant is present in population databases (no rsID available, gnomAD 0.004%). This variant has not been reported in the literature in individuals affected with SLC25A11-related conditions. Experimental studies and prediction algorithms are not available or were not evaluated, and the functional significance of this variant is currently unknown. In summary, the available evidence is currently insufficient to determine the role of this variant in disease. Therefore, it has been classified as a Variant of Uncertain Significance.